The following is an entry in ClinVar:

NM_001079673.2(FNDC3A):c.761-3A>T

Gene: FNDC3A (fibronectin type III domain containing 3A; plus strand). Cytogenetic location: 13q14.2.
Variant type: single nucleotide variant.
Coding change: c.761-3A>T on transcript NM_001079673.2 (MANE Select); 3 bases into the intron before coding-DNA position 761, A replaced by T.
Molecular consequence: intron variant.
Genome position (GRCh38, 1-based): chr13:49,138,744, A>T. VCF-style: chr13-49138744-A-T. GRCh37 (hg19) VCF-style: chr13-49712880-A-T.
Other names: NC_000013.10:g.49712880A>T; c.761-3A>T (NM_001278438.2); c.593-3A>T (NM_014923.5).
Identifiers: ClinVar variation 3043580 (VCV003043580.3), dbSNP rs374491470, ClinGen allele CA6979878.
Genomic context (GRCh38, chr13:49,138,744, plus strand): 5'-GGAGAAGAAGGGATTGTATCTAAGTTCTTTTTTTTAAATATTCAAATGTTTTATTTTTTT[A>T]AGAAAAAGATGAAGAAACTAAAGCATTTGAAGCACTTCTTTCCAACATTGTCAAACCAGT-3'

ClinVar aggregate classification (germline): Likely benign (0 of 4 stars; one submission).

Conditions:
FNDC3A-related disorder. Also called: FNDC3A-related condition.

Allele frequency attached by ClinVar (database versions not stated): ESP Exome Variant Server 0.00102; gnomAD 0.00106; TOPMed 0.00114; gnomAD exomes 0.00159; ExAC 0.00176.
gnomAD v4.1: 2,161 of 1,411,832 alleles (0.15%); highest among the groups gnomAD compares: Middle Eastern, 0.36%; 7 homozygotes.

Submissions (2):

PreventionGenetics, part of Exact Sciences
Classification: Likely benign for FNDC3A-related condition. Last evaluated: 2023-01-05. Review status: no assertion criteria provided. Collection method: clinical testing. Allele origin: germline.
Comment: This variant is classified as likely benign based on ACMG/AMP sequence variant interpretation guidelines (Richards et al. 2015 PMID: 25741868, with internal and published modifications).

Dr. Peter K. Rogan Lab, Western University
No classification provided (evidence only). Condition: Melanoma. Review status: no classification provided. Collection method: in vitro. Allele origin: not applicable. Functional consequence: retained intron. Not counted in ClinVar's aggregate classification.